The following is an entry in ClinVar:

NM_001267550.2(TTN):c.64859G>A (p.Arg21620Lys)

Genes: TTN (titin; minus strand), TTN-AS1 (TTN antisense RNA 1; plus strand). Cytogenetic location: 2q31.2.
Variant type: single nucleotide variant.
Coding change: c.64859G>A on transcript NM_001267550.2 (MANE Select); coding-DNA position 64859, G replaced by A.
Protein change: p.Arg21620Lys; replaces arginine 21620 with lysine.
Molecular consequence: missense variant. On other transcripts: non-coding transcript variant (1).
Genome position (GRCh38, 1-based): chr2:178,584,782, C>T on the plus strand (G>A on the coding strand, the complement: TTN is on the minus strand). VCF-style: chr2-178584782-C-T. GRCh37 (hg19) VCF-style: chr2-179449509-C-T.
Other names: c.59936G>A, p.Arg19979Lys (NM_001256850.1); c.37664G>A, p.Arg12555Lys (NM_003319.4); c.57155G>A, p.Arg19052Lys (NM_133378.4); c.38039G>A, p.Arg12680Lys (NM_133432.3); c.38240G>A, p.Arg12747Lys (NM_133437.4); short protein forms R12747K, R21620K, R19052K, R12555K, R12680K, R19979K.
Identifiers: ClinVar variation 1734717 (VCV001734717.2), dbSNP rs776516784, ClinGen allele CA1991828.

ClinVar aggregate classification (germline): Uncertain significance (1 of 4 stars; one submission).

Conditions:
Cardiovascular phenotype. Identifiers: MedGen CN230736.

Allele frequency attached by ClinVar (database versions not stated): ExAC 0.00001; gnomAD exomes 0.00001; TOPMed 0.00001.
gnomAD v4.1: 6 of 1,613,484 alleles (0.00037%); highest among the groups gnomAD compares: Admixed American, 0.01%; no homozygotes.

Submission:

Ambry Genetics
Classification: Uncertain significance for Cardiovascular phenotype. Last evaluated: 2019-10-20. Review status: criteria provided, single submitter. Criteria: Ambry Variant Classification Scheme 2023. Collection method: clinical testing. Allele origin: germline.
Comment: The p.R12555K variant (also known as c.37664G>A), located in coding exon 137 of the TTN gene, results from a G to A substitution at nucleotide position 37664. The arginine at codon 12555 is replaced by lysine, an amino acid with highly similar properties. This amino acid position is highly conserved in available vertebrate species. In addition, this alteration is predicted to be tolerated by in silico analysis. Since supporting evidence is limited at this time, the clinical significance of this alteration remains unclear.